The following is an entry in ClinVar:

ClinVar aggregate classification (germline): Uncertain significance (1 of 4 stars; one submission).

Conditions:
Neuropathy, hereditary sensory, type 2C. Also called: KIF1A-Related HSAN2 (HSAN2C); Hereditary sensory and autonomic neuropathy type IIC. Identifiers: Orphanet 970, MedGen C3280168, MONDO:0013634, OMIM 614213.
Hereditary spastic paraplegia 30. Identifiers: Orphanet 101010, MedGen C5235139, MONDO:0012476.
Intellectual disability, autosomal dominant 9 (NESCAVS). Also called: NESCAV SYNDROME; KIF1A-Related Neurodevelopmental Disorder. Identifiers: Orphanet 662367, MedGen C5393830, MONDO:0013656, OMIM 614255.

Submission:

Labcorp Genetics (formerly Invitae), Labcorp
Classification: Uncertain significance for Hereditary spastic paraplegia 30; Neuropathy, hereditary sensory, type 2C; Intellectual disability, autosomal dominant 9. Last evaluated: 2023-07-12. Review status: criteria provided, single submitter. Criteria: Invitae Variant Classification Sherloc (09022015). Collection method: clinical testing. Allele origin: germline.
Comment: In summary, the available evidence is currently insufficient to determine the role of this variant in disease. Therefore, it has been classified as a Variant of Uncertain Significance. Advanced modeling of protein sequence and biophysical properties (such as structural, functional, and spatial information, amino acid conservation, physicochemical variation, residue mobility, and thermodynamic stability) performed at Invitae indicates that this missense variant is not expected to disrupt KIF1A protein function. This variant has not been reported in the literature in individuals affected with KIF1A-related conditions. This variant is not present in population databases (gnomAD no frequency). This sequence change replaces histidine, which is basic and polar, with glutamine, which is neutral and polar, at codon 1331 of the KIF1A protein (p.His1331Gln).

NM_001244008.2(KIF1A):c.4296C>A (p.His1432Gln)

Gene: KIF1A (kinesin family member 1A; minus strand). Cytogenetic location: 2q37.3.
Variant type: single nucleotide variant.
Coding change: c.4296C>A on transcript NM_001244008.2 (MANE Select); coding-DNA position 4296, C replaced by A.
Protein change: p.His1432Gln; replaces histidine 1432 with glutamine.
Molecular consequence: missense variant.
Genome position (GRCh38, 1-based): chr2:240,723,997, G>T on the plus strand (C>A on the coding strand, the complement: KIF1A is on the minus strand). VCF-style: chr2-240723997-G-T. GRCh37 (hg19) VCF-style: chr2-241663414-G-T.
Other names: c.4020C>A, p.His1340Gln (NM_001320705.2, NM_001379649.1); c.4047C>A, p.His1349Gln (NM_001330289.2); c.4095C>A, p.His1365Gln (NM_001330290.2, NM_001379648.1); c.4371C>A, p.His1457Gln (NM_001379631.1); c.4272C>A, p.His1424Gln (NM_001379632.1); c.4269C>A, p.His1423Gln (NM_001379633.1, NM_001379645.1); c.4122C>A, p.His1374Gln (NM_001379634.1); c.4119C>A, p.His1373Gln (NM_001379635.1, NM_001379646.1); and 7 more; short protein forms H1330Q, H1369Q, H1373Q, H1349Q, H1374Q, H1432Q, H1331Q, H1340Q.
Identifiers: ClinVar variation 2948481 (VCV002948481.3), dbSNP rs918362585, ClinGen allele CA351306058.